The following is an entry in ClinVar:

NM_001367479.1(DNAH14):c.651+1G>A

Gene: DNAH14 (dynein axonemal heavy chain 14; plus strand). Cytogenetic location: 1q42.12.
Variant type: single nucleotide variant.
Coding change: c.651+1G>A on transcript NM_001367479.1 (MANE Select); the canonical splice donor site of the intron after coding-DNA position 651, G replaced by A.
Molecular consequence: splice donor variant. On other transcripts: intron variant (1).
Genome position (GRCh38, 1-based): chr1:224,967,584, G>A. VCF-style: chr1-224967584-G-A. GRCh37 (hg19) VCF-style: chr1-225155286-G-A.
Other names: NM_001373.1:c.651+1G>A; NC_000001.10:g.225155286G>A; c.651+1G>A (NM_144989.3, NM_001145154.3, NM_001367481.1); c.582+70G>A (NM_001349911.2); c.501+1G>A (NM_001349912.2).
Identifiers: ClinVar variation 3056432 (VCV003056432.3), dbSNP rs146938681, ClinGen allele CA1415616.

ClinVar aggregate classification (germline): Likely benign (0 of 4 stars; one submission).

Conditions:
DNAH14-related disorder. Also called: DNAH14-related condition.

Allele frequency attached by ClinVar (database versions not stated): ESP Exome Variant Server 0.00111; gnomAD 0.00258; TOPMed 0.00370; 1000 Genomes Project 30x 0.00562; 1000 Genomes Project 0.00639.
gnomAD v4.1: 3,186 of 1,599,268 alleles (0.2%); highest among the groups gnomAD compares: East Asian, 2.4%; 31 homozygotes.

Submissions (27):

PreventionGenetics, part of Exact Sciences
Classification: Likely benign for DNAH14-related condition. Last evaluated: 2023-05-01. Review status: no assertion criteria provided. Collection method: clinical testing. Allele origin: germline.
Comment: This variant is classified as likely benign based on ACMG/AMP sequence variant interpretation guidelines (Richards et al. 2015 PMID: 25741868, with internal and published modifications).

Dr. Peter K. Rogan Lab, Western University
No classification provided (evidence only). Condition: Clear cell carcinoma of kidney. Review status: no classification provided. Collection method: in vitro. Allele origin: not applicable. Functional consequence: retained intron. Not counted in ClinVar's aggregate classification.

Dr. Peter K. Rogan Lab, Western University
No classification provided (evidence only). Condition: Papillary renal cell carcinoma type 1. Review status: no classification provided. Collection method: in vitro. Allele origin: not applicable. Functional consequence: retained intron. Not counted in ClinVar's aggregate classification.

Dr. Peter K. Rogan Lab, Western University
No classification provided (evidence only). Condition: Melanoma. Review status: no classification provided. Collection method: in vitro. Allele origin: not applicable. Functional consequence: retained intron. Not counted in ClinVar's aggregate classification.

Dr. Peter K. Rogan Lab, Western University
No classification provided (evidence only). Condition: Familial cancer of breast. Review status: no classification provided. Collection method: in vitro. Allele origin: not applicable. Functional consequence: retained intron. Not counted in ClinVar's aggregate classification.

Dr. Peter K. Rogan Lab, Western University
No classification provided (evidence only). Condition: Thyroid cancer, nonmedullary, 1. Review status: no classification provided. Collection method: in vitro. Allele origin: not applicable. Functional consequence: retained intron. Not counted in ClinVar's aggregate classification.

Dr. Peter K. Rogan Lab, Western University
No classification provided (evidence only). Condition: Thyroid cancer, nonmedullary, 1. Review status: no classification provided. Collection method: in vitro. Allele origin: not applicable. Functional consequence: retained intron. Not counted in ClinVar's aggregate classification.

Dr. Peter K. Rogan Lab, Western University
No classification provided (evidence only). Condition: Thyroid cancer, nonmedullary, 1. Review status: no classification provided. Collection method: in vitro. Allele origin: not applicable. Functional consequence: retained intron. Not counted in ClinVar's aggregate classification.

Dr. Peter K. Rogan Lab, Western University
No classification provided (evidence only). Condition: Thyroid cancer, nonmedullary, 1. Review status: no classification provided. Collection method: in vitro. Allele origin: not applicable. Functional consequence: retained intron. Not counted in ClinVar's aggregate classification.

Dr. Peter K. Rogan Lab, Western University
No classification provided (evidence only). Condition: Thyroid cancer, nonmedullary, 1. Review status: no classification provided. Collection method: in vitro. Allele origin: not applicable. Functional consequence: retained intron. Not counted in ClinVar's aggregate classification.

Dr. Peter K. Rogan Lab, Western University
No classification provided (evidence only). Condition: Cervical cancer. Review status: no classification provided. Collection method: in vitro. Allele origin: not applicable. Functional consequence: retained intron. Not counted in ClinVar's aggregate classification.

Dr. Peter K. Rogan Lab, Western University
No classification provided (evidence only). Condition: Hepatocellular carcinoma. Review status: no classification provided. Collection method: in vitro. Allele origin: not applicable. Functional consequence: retained intron. Not counted in ClinVar's aggregate classification.

Dr. Peter K. Rogan Lab, Western University
No classification provided (evidence only). Condition: Hepatocellular carcinoma. Review status: no classification provided. Collection method: in vitro. Allele origin: not applicable. Functional consequence: retained intron. Not counted in ClinVar's aggregate classification.

Dr. Peter K. Rogan Lab, Western University
No classification provided (evidence only). Condition: Hepatocellular carcinoma. Review status: no classification provided. Collection method: in vitro. Allele origin: not applicable. Functional consequence: retained intron. Not counted in ClinVar's aggregate classification.

Dr. Peter K. Rogan Lab, Western University
No classification provided (evidence only). Condition: Hepatocellular carcinoma. Review status: no classification provided. Collection method: in vitro. Allele origin: not applicable. Functional consequence: retained intron. Not counted in ClinVar's aggregate classification.

Dr. Peter K. Rogan Lab, Western University
No classification provided (evidence only). Condition: Hepatocellular carcinoma. Review status: no classification provided. Collection method: in vitro. Allele origin: not applicable. Functional consequence: retained intron. Not counted in ClinVar's aggregate classification.

Dr. Peter K. Rogan Lab, Western University
No classification provided (evidence only). Condition: Hepatocellular carcinoma. Review status: no classification provided. Collection method: in vitro. Allele origin: not applicable. Functional consequence: retained intron. Not counted in ClinVar's aggregate classification.

Dr. Peter K. Rogan Lab, Western University
No classification provided (evidence only). Condition: Hepatocellular carcinoma. Review status: no classification provided. Collection method: in vitro. Allele origin: not applicable. Functional consequence: retained intron. Not counted in ClinVar's aggregate classification.

Dr. Peter K. Rogan Lab, Western University
No classification provided (evidence only). Condition: Hepatocellular carcinoma. Review status: no classification provided. Collection method: in vitro. Allele origin: not applicable. Functional consequence: retained intron. Not counted in ClinVar's aggregate classification.

Dr. Peter K. Rogan Lab, Western University
No classification provided (evidence only). Condition: Hepatocellular carcinoma. Review status: no classification provided. Collection method: in vitro. Allele origin: not applicable. Functional consequence: retained intron. Not counted in ClinVar's aggregate classification.

Dr. Peter K. Rogan Lab, Western University
No classification provided (evidence only). Condition: Thymoma. Review status: no classification provided. Collection method: in vitro. Allele origin: not applicable. Functional consequence: retained intron. Not counted in ClinVar's aggregate classification.

Dr. Peter K. Rogan Lab, Western University
No classification provided (evidence only). Condition: Malignant tumor of esophagus. Review status: no classification provided. Collection method: in vitro. Allele origin: not applicable. Functional consequence: retained intron. Not counted in ClinVar's aggregate classification.

Dr. Peter K. Rogan Lab, Western University
No classification provided (evidence only). Condition: Malignant tumor of esophagus. Review status: no classification provided. Collection method: in vitro. Allele origin: not applicable. Functional consequence: retained intron. Not counted in ClinVar's aggregate classification.

Dr. Peter K. Rogan Lab, Western University
No classification provided (evidence only). Condition: Hepatocellular carcinoma. Review status: no classification provided. Collection method: in vitro. Allele origin: not applicable. Functional consequence: retained intron. Not counted in ClinVar's aggregate classification.

Dr. Peter K. Rogan Lab, Western University
No classification provided (evidence only). Condition: Hepatocellular carcinoma. Review status: no classification provided. Collection method: in vitro. Allele origin: not applicable. Functional consequence: retained intron. Not counted in ClinVar's aggregate classification.

Dr. Peter K. Rogan Lab, Western University
No classification provided (evidence only). Condition: Lymphoma. Review status: no classification provided. Collection method: in vitro. Allele origin: not applicable. Functional consequence: retained intron. Not counted in ClinVar's aggregate classification.

Dr. Peter K. Rogan Lab, Western University
No classification provided (evidence only). Condition: Ovarian cancer. Review status: no classification provided. Collection method: in vitro. Allele origin: not applicable. Functional consequence: retained intron. Not counted in ClinVar's aggregate classification.